The following is an entry in ClinVar:

NM_000059.4(BRCA2):c.539T>C (p.Ile180Thr)

Gene: BRCA2 (BRCA2 DNA repair associated; plus strand). Cytogenetic location: 13q13.1.
Variant type: single nucleotide variant.
Coding change: c.539T>C on transcript NM_000059.4 (MANE Select); coding-DNA position 539, T replaced by C.
Protein change: p.Ile180Thr; replaces isoleucine 180 with threonine.
Molecular consequence: missense variant.
Genome position (GRCh38, 1-based): chr13:32,326,521, T>C. VCF-style: chr13-32326521-T-C. GRCh37 (hg19) VCF-style: chr13-32900658-T-C.
Other names: p.I180T:ATT>ACT; short protein forms I180T.
Identifiers: ClinVar variation 51853 (VCV000051853.26), dbSNP rs80358761, ClinGen allele CA022232.

ClinVar aggregate classification (germline): Conflicting classifications of pathogenicity. Review status: criteria provided, conflicting classifications (1 of 4 stars). 9 submissions from 9 submitters: Uncertain significance (6); Likely benign (1). 2 of the submissions do not count toward it. Last evaluated 2025-11-17.

Conditions:
Hereditary breast ovarian cancer syndrome. Also called: Hereditary breast and ovarian cancer syndrome; Hereditary breast and ovarian cancer; Hereditary breast and ovarian cancer syndrome (HBOC); Breast and ovarian cancer; Hereditary breast and/or ovarian cancer syndrome; BRCA1- and BRCA2-Associated Hereditary Breast and Ovarian Cancer. Identifiers: Orphanet 145, MedGen C0677776, MeSH D061325, MONDO:0003582. Disease mechanism: loss of function.
Familial cancer of breast. Also called: BREAST CANCER, FAMILIAL; Hereditary breast cancer; hereditary breast carcinoma. Identifiers: Orphanet 227535, MedGen C0346153, MONDO:0016419, OMIM 114480. Disease mechanism: loss of function.
Hereditary cancer-predisposing syndrome. Also called: Neoplastic Syndromes, Hereditary; Tumor predisposition; Hereditary neoplastic syndrome; Hereditary Cancer Syndrome. Identifiers: Orphanet 140162, MedGen C0027672, MeSH D009386, MONDO:0015356.
Breast-ovarian cancer, familial, susceptibility to, 2 (BROVCA2). Also called: BRCA2 Hereditary Breast and Ovarian Cancer. Identifiers: Orphanet 145, MedGen C2675520, MONDO:0012933, OMIM 612555. Disease mechanism: loss of function.

Allele frequency attached by ClinVar (database versions not stated): gnomAD exomes below 0.00001; TOPMed below 0.00001.
gnomAD v4.1: 2 of 1,613,618 alleles (0.00012%); highest among the groups gnomAD compares: Non-Finnish European, 0.00017%; no homozygotes.

Submissions (9):

German Consortium for Hereditary Breast and Ovarian Cancer, University Hospital Cologne
Classification: Likely benign for Hereditary breast ovarian cancer syndrome. Last evaluated: 2025-11-17. Review status: criteria provided, single submitter. Criteria: ClinGen BRCA2 V1.1.0. Collection method: curation. Allele origin: germline.
Comment: This classification follows the ClinGen ENIGMA BRCA2 v1.1.0 classification scheme; We chose this criterion: BP1 (strong benign): missense variant outside a (potentially) clinically important functional domain AND no splicing predicted (SpliceAI <=0.01)

Labcorp Genetics (formerly Invitae), Labcorp
Classification: Uncertain significance for Hereditary breast ovarian cancer syndrome. Last evaluated: 2025-07-24. Review status: criteria provided, single submitter. Criteria: Invitae Variant Classification Sherloc (09022015). Collection method: clinical testing. Allele origin: germline.
Comment: This sequence change replaces isoleucine, which is neutral and non-polar, with threonine, which is neutral and polar, at codon 180 of the BRCA2 protein (p.Ile180Thr). This variant is present in population databases (rs80358761, gnomAD 0.0009%). This missense change has been observed in individual(s) with BRCA2-related conditions (PMID: 10923033, 26580448). ClinVar contains an entry for this variant (Variation ID: 51853). Invitae Evidence Modeling of protein sequence and biophysical properties (such as structural, functional, and spatial information, amino acid conservation, physicochemical variation, residue mobility, and thermodynamic stability) indicates that this missense variant is not expected to disrupt BRCA2 protein function with a negative predictive value of 95%. In summary, the available evidence is currently insufficient to determine the role of this variant in disease. Therefore, it has been classified as a Variant of Uncertain Significance.

Color Diagnostics, LLC DBA Color Health
Classification: Uncertain significance for Hereditary cancer-predisposing syndrome. Last evaluated: 2025-07-03. Review status: criteria provided, single submitter. Criteria: ACMG Guidelines, 2015. Collection method: clinical testing. Allele origin: germline.
Comment: This missense variant replaces isoleucine with threonine at codon 180 of the BRCA2 protein. Computational prediction suggests that this variant may not impact protein structure and function. To our knowledge, functional studies have not been reported for this variant. This variant has been detected in an individual affected with pediatric cancer (PMID: 26580448) and an individual considered at risk for pancreatic cancer (PMID: 30883245). This variant also has been detected in a breast cancer case-control meta-analysis in 0/60466 cases and 1/53461 unaffected individuals (PMID: 33471991Leiden Open Variation Database DB-ID BRCA2_003614) and in 1 individual older than age 70 years who has never had cancer (FLOSSIES database). A multifactorial analysis has reported a likelihood ratio for pathogenicity based on personal and family history of 0.847 from log(LR)=-0.0724 for two carriers (PMID: 31853058). This variant has been identified in 1/251410 chromosomes in the general population by the Genome Aggregation Database (gnomAD). The available evidence is insufficient to determine the role of this variant in disease conclusively. Therefore, this variant is classified as a Variant of Uncertain Significance.

Ambry Genetics
Classification: Uncertain significance for Hereditary cancer-predisposing syndrome. Last evaluated: 2024-03-07. Review status: criteria provided, single submitter. Criteria: Ambry Variant Classification Scheme 2023. Collection method: clinical testing. Allele origin: germline.
Comment: The p.I180T variant (also known as c.539T>C), located in coding exon 6 of the BRCA2 gene, results from a T to C substitution at nucleotide position 539. The isoleucine at codon 180 is replaced by threonine, an amino acid with similar properties. A mini-gene splicing assay found that this alteration did not result in aberrant splicing (Di Giacomo D et al. Hum. Mutat. 2013 Nov;34(11):1547-57). This alteration was also identified in an individual diagnosed with pancreatic cancer (Abe T et al. J Clin Oncol, 2019 05;37:1070-1080). This amino acid position is highly conserved in available vertebrate species. In addition, the in silico prediction for this alteration is inconclusive. Based on the available evidence, the clinical significance of this alteration remains unclear.

GeneDx
Classification: Uncertain significance. Last evaluated: 2023-10-16. Review status: criteria provided, single submitter. Criteria: GeneDx Variant Classification Process June 2021. Collection method: clinical testing. Allele origin: germline. Affected: yes.
Comment: Identified in an individual with family history of pancreatic cancer (Abe et al., 2019); In silico analysis supports that this missense variant does not alter protein structure/function; Not observed at significant frequency in large population cohorts (gnomAD); Also known as 767T>C; This variant is associated with the following publications: (PMID: 10923033, 23983145, 32377563, 29884841, 26580448, 26761715, 30883245)

Women's Health and Genetics/Laboratory Corporation of America, LabCorp
Classification: Uncertain significance. Last evaluated: 2021-08-30. Review status: criteria provided, single submitter. Criteria: LabCorp Variant Classification Summary - May 2015. Collection method: clinical testing. Allele origin: germline.
Comment: Variant summary: BRCA2 c.539T>C (p.Ile180Thr) results in a non-conservative amino acid change in the encoded protein sequence. Four of five in-silico tools predict a damaging effect of the variant on protein function. The variant allele was found at a frequency of 4e-06 in 251410 control chromosomes. The available data on variant occurrences in the general population are insufficient to allow any conclusion about variant significance. c.539T>C has been reported in the literature in at least one individual affected with pediatric cancer (Zhang_2015). This report does not provide unequivocal conclusions about association of the variant with Hereditary Breast And Ovarian Cancer Syndrome. Splicing assay showed that this variant did not increase exon skipping (Di Giacomo_2013, Soukarieh_2016). Five clinical diagnostic laboratories have submitted clinical-significance assessments for this variant to ClinVar after 2014 without evidence for independent evaluation. All laboratories classified the variant as uncertain significance. Based on the evidence outlined above, the variant was classified as uncertain significance.

Institute of Human Genetics, University of Leipzig Medical Center
Classification: Uncertain significance for Familial cancer of breast. Last evaluated: 2019-01-01. Review status: criteria provided, single submitter. Criteria: ACMG Guidelines, 2015. Collection method: clinical testing. Allele origin: unknown. Affected: yes.

Sharing Clinical Reports Project (SCRP)
Classification: Uncertain significance for Breast-ovarian cancer, familial 2. Last evaluated: 2012-05-01. Review status: no assertion criteria provided. Collection method: clinical testing. Allele origin: germline. Not counted in ClinVar's aggregate classification.

Breast Cancer Information Core (BIC) (BRCA2)
Classification: Uncertain significance for Breast-ovarian cancer, familial 2. Last evaluated: 2003-12-23. Review status: no assertion criteria provided. Collection method: clinical testing. Allele origin: germline. Affected: yes. Observed: 1 variant allele. Not counted in ClinVar's aggregate classification.

Literature cited by the submitters: PubMed 10923033 (cited by Labcorp Genetics (formerly Invitae), Labcorp); PubMed 26580448 (cited by 3 submitters); PubMed 30883245 (cited by 3 submitters); PubMed 31853058 (cited by Color Diagnostics, LLC DBA Color Health); PubMed 33471991 (cited by Color Diagnostics, LLC DBA Color Health); PubMed 23983145 (cited by Ambry Genetics and Women's Health and Genetics/Laboratory Corporation of America, LabCorp); PubMed 26761715 (cited by Women's Health and Genetics/Laboratory Corporation of America, LabCorp).